The following is an entry in ClinVar:

NM_001128840.3(CACNA1D):c.6060C>T (p.His2020=)

Gene: CACNA1D (calcium voltage-gated channel subunit alpha1 D; plus strand). Cytogenetic location: 3p21.1.
Variant type: single nucleotide variant.
Coding change: c.6060C>T on transcript NM_001128840.3 (MANE Select); coding-DNA position 6060, C replaced by T.
Protein change: p.His2020=; no amino-acid change (histidine 2020 retained).
Molecular consequence: synonymous variant.
Genome position (GRCh38, 1-based): chr3:53,810,166, C>T. VCF-style: chr3-53810166-C-T. GRCh37 (hg19) VCF-style: chr3-53844193-C-T.
Other names: c.6120C>T, p.His2040= (NM_000720.4); c.5988C>T, p.His1996= (NM_001128839.3); c.6120C>T (NM_000720.2).
Identifiers: ClinVar variation 1582860 (VCV001582860.9), dbSNP rs551182434, ClinGen allele CA2455353.

ClinVar aggregate classification (germline): Conflicting classifications of pathogenicity. Review status: criteria provided, conflicting classifications (1 of 4 stars). 2 submissions from 2 submitters: Uncertain significance (1); Likely benign (1). Last evaluated 2025-10-28.

Allele frequency attached by ClinVar (database versions not stated): gnomAD exomes 0.00004; gnomAD 0.00005 and 0.00006; ExAC 0.00006; TOPMed 0.00009; 1000 Genomes Project 30x 0.00031; 1000 Genomes Project 0.00040.
gnomAD v4.1: 32 of 1,614,014 alleles (0.002%); highest among the groups gnomAD compares: African/African-American, 0.029%; no homozygotes.

Submissions (2):

Labcorp Genetics (formerly Invitae), Labcorp
Classification: Likely benign. Last evaluated: 2025-10-28. Review status: criteria provided, single submitter. Criteria: Invitae Variant Classification Sherloc (09022015). Collection method: clinical testing. Allele origin: germline.

GeneDx
Classification: Uncertain significance. Last evaluated: 2023-07-18. Review status: criteria provided, single submitter. Criteria: GeneDx Variant Classification Process June 2021. Collection method: clinical testing. Allele origin: germline. Affected: yes.
Comment: In silico analysis supports that this variant does not alter splicing; Has not been previously published as pathogenic or benign to our knowledge